The following is an entry in ClinVar:

ClinVar aggregate classification (germline): Uncertain significance (1 of 4 stars; one submission).

Conditions:
Combined immunodeficiency due to OX40 deficiency. Also called: OX40 DEFICIENCY; Immunodeficiency 16. Identifiers: Orphanet 431149, MedGen C3810053, MONDO:0014268, OMIM 615593.

Allele frequency attached by ClinVar (database versions not stated): ExAC below 0.00001; gnomAD exomes below 0.00001; TOPMed below 0.00001; gnomAD 0.00001.
gnomAD v4.1: 6 of 1,588,002 alleles (0.00038%); highest among the groups gnomAD compares: Middle Eastern, 0.044%; no homozygotes.

Submission:

Labcorp Genetics (formerly Invitae), Labcorp
Classification: Uncertain significance for Combined immunodeficiency due to OX40 deficiency. Last evaluated: 2023-07-12. Review status: criteria provided, single submitter. Criteria: Invitae Variant Classification Sherloc (09022015). Collection method: clinical testing. Allele origin: germline.
Comment: In summary, the available evidence is currently insufficient to determine the role of this variant in disease. Therefore, it has been classified as a Variant of Uncertain Significance. Algorithms developed to predict the effect of missense changes on protein structure and function output the following: SIFT: "Not Available"; PolyPhen-2: "Not Available"; Align-GVGD: "Not Available". The arginine amino acid residue is found in multiple mammalian species, which suggests that this missense change does not adversely affect protein function. ClinVar contains an entry for this variant (Variation ID: 951898). This variant has not been reported in the literature in individuals affected with TNFRSF4-related conditions. This variant is not present in population databases (gnomAD no frequency). This sequence change replaces cysteine, which is neutral and slightly polar, with arginine, which is basic and polar, at codon 13 of the TNFRSF4 protein (p.Cys13Arg).

NM_003327.4(TNFRSF4):c.37T>C (p.Cys13Arg)

Gene: TNFRSF4 (TNF receptor superfamily member 4; minus strand). Cytogenetic location: 1p36.33.
Variant type: single nucleotide variant.
Coding change: c.37T>C on transcript NM_003327.4 (MANE Select); coding-DNA position 37, T replaced by C.
Protein change: p.Cys13Arg; replaces cysteine 13 with arginine.
Molecular consequence: missense variant.
Genome position (GRCh38, 1-based): chr1:1,214,091, A>G on the plus strand (T>C on the coding strand, the complement: TNFRSF4 is on the minus strand). VCF-style: chr1-1214091-A-G. GRCh37 (hg19) VCF-style: chr1-1149471-A-G.
Other names: short protein forms C13R.
Identifiers: ClinVar variation 951898 (VCV000951898.9), dbSNP rs757810037, ClinGen allele CA512697.